The following is an entry in ClinVar:

ClinVar aggregate classification (germline): Uncertain significance (1 of 4 stars; one submission).

Conditions:
Cystic fibrosis (CF). Also called: MUCOVISCIDOSIS. Identifiers: Orphanet 586, MedGen C0010674, MONDO:0009061, OMIM 219700. Disease mechanism: loss of function.

Submission:

Ambry Genetics
Classification: Uncertain significance for Cystic fibrosis. Last evaluated: 2025-11-05. Review status: criteria provided, single submitter. Criteria: Ambry Variant Classification Scheme 2023. Collection method: clinical testing. Allele origin: germline.
Comment: The p.C866F variant (also known as c.2597G>T), located in coding exon 15 of the CFTR gene, results from a G to T substitution at nucleotide position 2597. The cysteine at codon 866 is replaced by phenylalanine, an amino acid with highly dissimilar properties. This amino acid position is conserved. In addition, this alteration is predicted to be deleterious by in silico analysis. Based on the available evidence, the clinical significance of this variant remains unclear.

NM_000492.4(CFTR):c.2597G>T (p.Cys866Phe)

Gene: CFTR (CF transmembrane conductance regulator; plus strand). Cytogenetic location: 7q31.2.
Variant type: single nucleotide variant.
Coding change: c.2597G>T on transcript NM_000492.4 (MANE Select); coding-DNA position 2597, G replaced by T.
Protein change: p.Cys866Phe; replaces cysteine 866 with phenylalanine.
Molecular consequence: missense variant.
Genome position (GRCh38, 1-based): chr7:117,595,036, G>T. VCF-style: chr7-117595036-G-T. GRCh37 (hg19) VCF-style: chr7-117235090-G-T.
Other names: short protein forms C866F.
Identifiers: ClinVar variation 4649449 (VCV004649449.1).